The following is an entry in ClinVar:

NM_000135.4(FANCA):c.3373G>C (p.Ala1125Pro)

Genes: FANCA (FA complementation group A; minus strand), LOC132090450 (Neanderthal introgressed variant-containing enhancer experimental_46718; plus strand). Cytogenetic location: 16q24.3.
Variant type: single nucleotide variant.
Coding change: c.3373G>C on transcript NM_000135.4 (MANE Select); coding-DNA position 3373, G replaced by C.
Protein change: p.Ala1125Pro; replaces alanine 1125 with proline.
Molecular consequence: missense variant.
Genome position (GRCh38, 1-based): chr16:89,746,866, C>G on the plus strand (G>C on the coding strand, the complement: FANCA is on the minus strand). VCF-style: chr16-89746866-C-G. GRCh37 (hg19) VCF-style: chr16-89813274-C-G.
Other names: c.3373G>C, p.Ala1125Pro (NM_001286167.3); short protein forms A1125P.
Identifiers: ClinVar variation 4619306 (VCV004619306.1).

ClinVar aggregate classification (germline): Uncertain significance (1 of 4 stars; one submission).

Conditions:
Inborn genetic diseases. Identifiers: MedGen C0950123, MeSH D030342.

Submission:

Ambry Genetics
Classification: Uncertain significance for Inborn genetic diseases. Last evaluated: 2025-12-07. Review status: criteria provided, single submitter. Criteria: Ambry Variant Classification Scheme 2023. Collection method: clinical testing. Allele origin: germline.
Comment: The p.A1125P variant (also known as c.3373G>C), located in coding exon 34 of the FANCA gene, results from a G to C substitution at nucleotide position 3373. The alanine at codon 1125 is replaced by proline, an amino acid with highly similar properties. This amino acid position is conserved. In addition, the in silico prediction for this alteration is inconclusive. Based on the available evidence, the clinical significance of this variant remains unclear.